The following is an entry in ClinVar:

ClinVar aggregate classification (germline): Uncertain significance. Review status: criteria provided, multiple submitters, no conflicts (2 of 4 stars). 3 submissions from 3 submitters: Uncertain significance (3). Last evaluated 2025-01-29.

Conditions:
Microspherophakia and/or megalocornea, with ectopia lentis and with or without secondary glaucoma (MSPKA). Identifiers: Orphanet 238763, MedGen C3538951, MONDO:0009633, OMIM 251750.
Glaucoma 3, primary congenital, D. Identifiers: Orphanet 98976, MedGen C2751316, MONDO:0013122, OMIM 613086.
Weill-Marchesani syndrome 3 (WMS3). Also called: LTBP2-Related Weill-Marchesani Syndrome; Weill-Marchesani syndrome 3, recessive. Identifiers: Orphanet 3449, MedGen C3553785, MONDO:0013899, OMIM 614819.
Glaucoma 3, primary infantile, B. Also called: GLC3B; GLC3 type B; Primary congenital glaucoma type 3B; Glaucoma primary congenita type 3B; GLAUCOMA, PRIMARY CONGENITAL, TYPE B. Identifiers: Orphanet 98976, MedGen C1832977, MONDO:0010968, OMIM 600975.
Inborn genetic diseases. Identifiers: MedGen C0950123, MeSH D030342.

Allele frequency attached by ClinVar (database versions not stated): gnomAD exomes 0.00014 and 0.00018; ExAC 0.00016; 1000 Genomes Project 0.00020; gnomAD 0.00021 and 0.00022; TOPMed 0.00022; 1000 Genomes Project 30x 0.00031.
gnomAD v4.1: 248 of 1,614,174 alleles (0.015%); highest among the groups gnomAD compares: East Asian, 0.16%; no homozygotes.

Submissions (3):

Labcorp Genetics (formerly Invitae), Labcorp
Classification: Uncertain significance. Last evaluated: 2025-01-29. Review status: criteria provided, single submitter. Criteria: Invitae Variant Classification Sherloc (09022015). Collection method: clinical testing. Allele origin: germline.
Comment: This sequence change replaces proline, which is neutral and non-polar, with leucine, which is neutral and non-polar, at codon 1806 of the LTBP2 protein (p.Pro1806Leu). This variant is present in population databases (rs191944410, gnomAD 0.1%). This variant has not been reported in the literature in individuals affected with LTBP2-related conditions. ClinVar contains an entry for this variant (Variation ID: 1467459). An algorithm developed to predict the effect of missense changes on protein structure and function outputs the following: PolyPhen-2: "Benign". The leucine amino acid residue is found in multiple mammalian species, which suggests that this missense change does not adversely affect protein function. In summary, the available evidence is currently insufficient to determine the role of this variant in disease. Therefore, it has been classified as a Variant of Uncertain Significance.

Ambry Genetics
Classification: Uncertain significance for Inborn genetic diseases. Last evaluated: 2024-01-24. Review status: criteria provided, single submitter. Criteria: Ambry Variant Classification Scheme 2023. Collection method: clinical testing. Allele origin: germline.

Fulgent Genetics
Classification: Uncertain significance for Microspherophakia and/or megalocornea, with ectopia lentis and with or without secondary glaucoma; Glaucoma 3, primary infantile, B; Glaucoma 3, primary congenital, D; Weill-Marchesani syndrome 3. Last evaluated: 2021-11-03. Review status: criteria provided, single submitter. Criteria: ACMG Guidelines, 2015. Collection method: clinical testing. Allele origin: unknown.

NM_000428.3(LTBP2):c.5417C>T (p.Pro1806Leu)

Gene: LTBP2 (latent transforming growth factor beta binding protein 2; minus strand). Cytogenetic location: 14q24.3.
Variant type: single nucleotide variant.
Coding change: c.5417C>T on transcript NM_000428.3 (MANE Select); coding-DNA position 5417, C replaced by T.
Protein change: p.Pro1806Leu; replaces proline 1806 with leucine.
Molecular consequence: missense variant.
Genome position (GRCh38, 1-based): chr14:74,500,933, G>A on the plus strand (C>T on the coding strand, the complement: LTBP2 is on the minus strand). VCF-style: chr14-74500933-G-A. GRCh37 (hg19) VCF-style: chr14-74967636-G-A.
Other names: c.5417C>T (NM_000428.2); short protein forms P1806L.
Identifiers: ClinVar variation 1467459 (VCV001467459.6), dbSNP rs191944410, ClinGen allele CA7268408.
Genomic context (GRCh38, chr14:74,500,933, plus strand): 5'-ACCCCTGACTGCTACTCCTTGGCAGTGCAGTGGGGGGGCCCTGCCTCAGCCACATATCCC[G>A]GGGAGCAGTGGCAGCGGTAGGAGCCCTCTGTGTTCTCGCAGTAACCATGGACACAGAGCA-3'
Protein context (NP_000419.1, residues 1796-1816): TEGSYRCHCS[Pro1806Leu]GYVAEAGPPH